The following is an entry in ClinVar:

NM_001326411.2(PISD):c.1172_1174dup (p.Asn391_Phe392insTyr)

Gene: PISD (phosphatidylserine decarboxylase; minus strand). Cytogenetic location: 22q12.2.
Variant type: Duplication.
Coding change: c.1172_1174dup on transcript NM_001326411.2 (MANE Select); coding-DNA positions 1172 to 1174, 3 bases duplicated (ATT; older notation c.1172_1174dupATT).
Protein change: p.Asn391_Phe392insTyr.
Molecular consequence: inframe insertion. On other transcripts: 3 prime UTR variant (1).
Genome position (GRCh38, 1-based): chr22:31,619,668-31,619,670, AAT duplicated on the plus strand (ATT on the coding strand, the reverse complement: PISD is on the minus strand). VCF-style (leftmost placement, unchanged base first): chr22-31619667-A-AAAT. GRCh37 (hg19) VCF-style: chr22-32015653-A-AAAT.
Other names: c.1109_1111dup, p.Asn370_Phe371insTyr (NM_001326412.1, NM_001326413.2, NM_001326414.2); c.1070_1072dup, p.Asn357_Phe358insTyr (NM_001326415.2, NM_001326416.2, NM_001326417.2 and 2 more transcripts); c.992_994dup, p.Asn331_Phe332insTyr (NM_001326418.2); c.956_958dup, p.Asn319_Phe320insTyr (NM_001326419.2); c.878_880dup, p.Asn293_Phe294insTyr (NM_001326420.2); c.*120_*122dup (NM_001326421.1).
Identifiers: ClinVar variation 2011447 (VCV002011447.4), dbSNP rs2523120860, ClinGen allele CA2580099596.

ClinVar aggregate classification (germline): Uncertain significance (1 of 4 stars; one submission).

Submission:

Labcorp Genetics (formerly Invitae), Labcorp
Classification: Uncertain significance. Last evaluated: 2022-06-27. Review status: criteria provided, single submitter. Criteria: Invitae Variant Classification Sherloc (09022015). Collection method: clinical testing. Allele origin: germline.
Comment: In summary, the available evidence is currently insufficient to determine the role of this variant in disease. Therefore, it has been classified as a Variant of Uncertain Significance. This variant has not been reported in the literature in individuals affected with PISD-related conditions. This variant is not present in population databases (gnomAD no frequency). This variant, c.1172_1174dup, results in the insertion of 1 amino acid(s) of the PISD protein (p.Asn391_Phe392insTyr), but otherwise preserves the integrity of the reading frame.